The following is an entry in ClinVar:

ClinVar aggregate classification (germline): Uncertain significance (1 of 4 stars; one submission).

Conditions:
Spastic paraplegia. Identifiers: MedGen C0037772, HP:0001258.

Submission:

Labcorp Genetics (formerly Invitae), Labcorp
Classification: Uncertain significance for Spastic paraplegia. Last evaluated: 2019-03-12. Review status: criteria provided, single submitter. Criteria: Invitae Variant Classification Sherloc (09022015). Collection method: clinical testing. Allele origin: germline.
Comment: In summary, the available evidence is currently insufficient to determine the role of this variant in disease. Therefore, it has been classified as a Variant of Uncertain Significance. Algorithms developed to predict the effect of missense changes on protein structure and function (SIFT, PolyPhen-2, Align-GVGD) all suggest that this variant is likely to be tolerated, but these predictions have not been confirmed by published functional studies and their clinical significance is uncertain. This variant has not been reported in the literature in individuals with GBA2-related conditions. This variant is not present in population databases (ExAC no frequency). This sequence change replaces valine with alanine at codon 700 of the GBA2 protein (p.Val700Ala). The valine residue is moderately conserved and there is a small physicochemical difference between valine and alanine.

NM_020944.3(GBA2):c.2099T>C (p.Val700Ala)

Gene: GBA2 (glucosylceramidase beta 2; minus strand). Cytogenetic location: 9p13.3.
Variant type: single nucleotide variant.
Coding change: c.2099T>C on transcript NM_020944.3 (MANE Select); coding-DNA position 2099, T replaced by C.
Protein change: p.Val700Ala; replaces valine 700 with alanine.
Molecular consequence: missense variant.
Genome position (GRCh38, 1-based): chr9:35,738,330, A>G on the plus strand (T>C on the coding strand, the complement: GBA2 is on the minus strand). VCF-style: chr9-35738330-A-G. GRCh37 (hg19) VCF-style: chr9-35738327-A-G.
Other names: c.2099T>C, p.Val700Ala (NM_001330660.2); short protein forms V700A.
Identifiers: ClinVar variation 864780 (VCV000864780.9), dbSNP rs989227836, ClinGen allele CA373408311.